The following is an entry in ClinVar:

NM_000188.3(HK1):c.1786A>T (p.Met596Leu)

Gene: HK1 (hexokinase 1; plus strand). Cytogenetic location: 10q22.1.
Variant type: single nucleotide variant.
Coding change: c.1786A>T on transcript NM_000188.3 (MANE Select); coding-DNA position 1786, A replaced by T.
Protein change: p.Met596Leu; replaces methionine 596 with leucine.
Molecular consequence: missense variant.
Genome position (GRCh38, 1-based): chr10:69,384,862, A>T. VCF-style: chr10-69384862-A-T. GRCh37 (hg19) VCF-style: chr10-71144618-A-T.
Other names: c.1798A>T, p.Met600Leu (NM_001322364.2, NM_001358263.1, NM_033497.3 and 1 more transcripts); c.1891A>T, p.Met631Leu (NM_001322365.2); c.1702A>T, p.Met568Leu (NM_001322366.1); c.1690A>T, p.Met564Leu (NM_001322367.1); c.1783A>T, p.Met595Leu (NM_033496.3); c.1750A>T, p.Met584Leu (NM_033500.2); short protein forms M595L, M584L, M568L, M600L, M631L, M564L, M596L.
Identifiers: ClinVar variation 849069 (VCV000849069.9), dbSNP rs370985073, ClinGen allele CA5532684.
Genomic context (GRCh38, chr10:69,384,862, plus strand): 5'-GATCACATTGTCTCCTGCATCTCTGACTTCTTGGACTACATGGGGATCAAAGGCCCCAGG[A>T]TGCCTCTGGGCTTCACGTTCTCATTTCCCTGCCAGCAGACGAGTCTGGACGCGGTGAGTC-3'
Protein context (NP_000179.2, residues 586-606): LDYMGIKGPR[Met596Leu]PLGFTFSFPC

ClinVar aggregate classification (germline): Uncertain significance (1 of 4 stars; one submission).

Allele frequency attached by ClinVar (database versions not stated): gnomAD 0.00002 and 0.00003; TOPMed 0.00003; ESP Exome Variant Server 0.00015.
gnomAD v4.1: 5 of 1,613,982 alleles (0.00031%); highest among the groups gnomAD compares: African/African-American, 0.0067%; no homozygotes.

Submission:

Labcorp Genetics (formerly Invitae), Labcorp
Classification: Uncertain significance. Last evaluated: 2023-08-10. Review status: criteria provided, single submitter. Criteria: Invitae Variant Classification Sherloc (09022015). Collection method: clinical testing. Allele origin: germline.
Comment: This variant is present in population databases (rs370985073, gnomAD 0.02%). This sequence change replaces methionine, which is neutral and non-polar, with leucine, which is neutral and non-polar, at codon 596 of the HK1 protein (p.Met596Leu). This variant has not been reported in the literature in individuals affected with HK1-related conditions. In summary, the available evidence is currently insufficient to determine the role of this variant in disease. Therefore, it has been classified as a Variant of Uncertain Significance. Algorithms developed to predict the effect of missense changes on protein structure and function output the following: SIFT: "Not Available"; PolyPhen-2: "Benign"; Align-GVGD: "Not Available". The leucine amino acid residue is found in multiple mammalian species, which suggests that this missense change does not adversely affect protein function. ClinVar contains an entry for this variant (Variation ID: 849069).